The following is an entry in ClinVar:

ClinVar aggregate classification (germline): Uncertain significance (1 of 4 stars; one submission).

Conditions:
Short-rib thoracic dysplasia 14 with polydactyly (SRTD14). Identifiers: Orphanet 397715, MedGen C4225286, MONDO:0014688, OMIM 616546.
Joubert syndrome 23 (JBTS23). Identifiers: Orphanet 475, MedGen C4084822, MONDO:0014664, OMIM 616490.

Submission:

Labcorp Genetics (formerly Invitae), Labcorp
Classification: Uncertain significance for Joubert syndrome 23; Short-rib thoracic dysplasia 14 with polydactyly. Last evaluated: 2023-08-30. Review status: criteria provided, single submitter. Criteria: Invitae Variant Classification Sherloc (09022015). Collection method: clinical testing. Allele origin: germline.
Comment: In summary, the available evidence is currently insufficient to determine the role of this variant in disease. Therefore, it has been classified as a Variant of Uncertain Significance. Algorithms developed to predict the effect of missense changes on protein structure and function output the following: SIFT: "Not Available"; PolyPhen-2: "Benign"; Align-GVGD: "Not Available". The glycine amino acid residue is found in multiple mammalian species, which suggests that this missense change does not adversely affect protein function. This variant has not been reported in the literature in individuals affected with KIAA0586-related conditions. This variant is not present in population databases (gnomAD no frequency). This sequence change replaces serine, which is neutral and polar, with glycine, which is neutral and non-polar, at codon 1584 of the KIAA0586 protein (p.Ser1584Gly).

NM_001329943.3(KIAA0586):c.4506A>G (p.Ala1502=)

Gene: KIAA0586 (KIAA0586; plus strand). Cytogenetic location: 14q23.1.
Variant type: single nucleotide variant.
Coding change: c.4506A>G on transcript NM_001329943.3 (MANE Select); coding-DNA position 4506, A replaced by G.
Protein change: p.Ala1502=; no amino-acid change (alanine 1502 retained).
Molecular consequence: synonymous variant. On other transcripts: missense variant (2).
Genome position (GRCh38, 1-based): chr14:58,547,791, A>G. VCF-style: chr14-58547791-A-G. GRCh37 (hg19) VCF-style: chr14-59014509-A-G.
Other names: c.4750A>G, p.Ser1584Gly (NM_001244189.2); c.4461A>G, p.Ala1487= (NM_001244190.2); c.4251A>G, p.Ala1417= (NM_001244191.2, NM_001364701.2); c.4591A>G, p.Ser1531Gly (NM_001329944.2); c.4185A>G, p.Ala1395= (NM_001329945.2); c.4440A>G, p.Ala1480= (NM_001329946.2); c.4374A>G, p.Ala1458= (NM_001244192.2, NM_001329947.2); c.4278A>G, p.Ala1426= (NM_014749.5); short protein forms S1531G, S1584G.
Identifiers: ClinVar variation 2950159 (VCV002950159.3), dbSNP rs2544642940, ClinGen allele CA390059246.